The following is an entry in ClinVar:

ClinVar aggregate classification (germline): Uncertain significance (1 of 4 stars; one submission).

gnomAD v4.1: 10 of 1,614,212 alleles (0.00062%); highest among the groups gnomAD compares: Non-Finnish European, 0.00085%; no homozygotes.

Submission:

Labcorp Genetics (formerly Invitae), Labcorp
Classification: Uncertain significance. Last evaluated: 2025-05-05. Review status: criteria provided, single submitter. Criteria: Invitae Variant Classification Sherloc (09022015). Collection method: clinical testing. Allele origin: germline.
Comment: This sequence change replaces cysteine, which is neutral and slightly polar, with tyrosine, which is neutral and polar, at codon 35 of the DHX32 protein (p.Cys35Tyr). This variant is not present in population databases (gnomAD no frequency). This variant has not been reported in the literature in individuals affected with DHX32-related conditions. An algorithm developed to predict the effect of missense changes on protein structure and function (PolyPhen-2) suggests that this variant is likely to be disruptive. In summary, the available evidence is currently insufficient to determine the role of this variant in disease. Therefore, it has been classified as a Variant of Uncertain Significance.

NM_018180.3(DHX32):c.104G>A (p.Cys35Tyr)

Gene: DHX32 (DEAH-box helicase 32 (putative); minus strand). Cytogenetic location: 10q26.2.
Variant type: single nucleotide variant.
Coding change: c.104G>A on transcript NM_018180.3 (MANE Select); coding-DNA position 104, G replaced by A.
Protein change: p.Cys35Tyr; replaces cysteine 35 with tyrosine.
Molecular consequence: missense variant.
Genome position (GRCh38, 1-based): chr10:125,880,721, C>T on the plus strand (G>A on the coding strand, the complement: DHX32 is on the minus strand). VCF-style: chr10-125880721-C-T. GRCh37 (hg19) VCF-style: chr10-127569290-C-T.
Other names: short protein forms C35Y.
Identifiers: ClinVar variation 4775026 (VCV004775026.1).